The following is an entry in ClinVar:

ClinVar aggregate classification (germline): Conflicting classifications of pathogenicity. Review status: criteria provided, conflicting classifications (1 of 4 stars). 3 submissions from 3 submitters: Uncertain significance (2); Likely benign (1). Last evaluated 2026-03-19.

Conditions:
PHIP-related disorder. Also called: PHIP-related disorders; PHIP-related condition.
Inborn genetic diseases. Identifiers: MedGen C0950123, MeSH D030342.

Allele frequency attached by ClinVar (database versions not stated): TOPMed 0.00002; ExAC 0.00011.
gnomAD v4.1: 30 of 1,602,052 alleles (0.0019%); highest among the groups gnomAD compares: Admixed American, 0.038%; no homozygotes.

Submissions (3):

PreventionGenetics, part of Exact Sciences
Classification: Uncertain significance for PHIP-related condition. Last evaluated: 2026-03-19. Review status: criteria provided, single submitter. Criteria: ACMG Guidelines, 2015. Collection method: clinical testing. Allele origin: germline.
Comment: The PHIP c.1228C>G variant is predicted to result in the amino acid substitution p.Pro410Ala. To our knowledge, this variant has not been reported in the literature. This variant is reported in 0.038% of alleles in individuals of Latino descent in gnomAD, which may be too frequent to be an undocumented cause of disease. Although we suspect that this variant may be benign, at this time, the clinical significance of this variant is uncertain due to the absence of conclusive functional and genetic evidence.

Labcorp Genetics (formerly Invitae), Labcorp
Classification: Uncertain significance. Last evaluated: 2023-08-27. Review status: criteria provided, single submitter. Criteria: Invitae Variant Classification Sherloc (09022015). Collection method: clinical testing. Allele origin: germline.
Comment: In summary, the available evidence is currently insufficient to determine the role of this variant in disease. Therefore, it has been classified as a Variant of Uncertain Significance. Advanced modeling of protein sequence and biophysical properties (such as structural, functional, and spatial information, amino acid conservation, physicochemical variation, residue mobility, and thermodynamic stability) performed at Invitae indicates that this missense variant is not expected to disrupt PHIP protein function. ClinVar contains an entry for this variant (Variation ID: 2377441). This variant has not been reported in the literature in individuals affected with PHIP-related conditions. This variant is present in population databases (rs767618585, gnomAD 0.05%), and has an allele count higher than expected for a pathogenic variant. This sequence change replaces proline, which is neutral and non-polar, with alanine, which is neutral and non-polar, at codon 410 of the PHIP protein (p.Pro410Ala).

Ambry Genetics
Classification: Likely benign for Inborn genetic diseases. Last evaluated: 2021-08-17. Review status: criteria provided, single submitter. Criteria: Ambry Variant Classification Scheme 2023. Collection method: clinical testing. Allele origin: germline.

NM_017934.7(PHIP):c.1228C>G (p.Pro410Ala)

Gene: PHIP (PHIP subunit of CUL4-Ring ligase complex; minus strand). Cytogenetic location: 6q14.1.
Variant type: single nucleotide variant.
Coding change: c.1228C>G on transcript NM_017934.7 (MANE Select); coding-DNA position 1228, C replaced by G.
Protein change: p.Pro410Ala; replaces proline 410 with alanine.
Molecular consequence: missense variant.
Genome position (GRCh38, 1-based): chr6:79,016,551, G>C on the plus strand (C>G on the coding strand, the complement: PHIP is on the minus strand). VCF-style: chr6-79016551-G-C. GRCh37 (hg19) VCF-style: chr6-79726268-G-C.
Other names: c.1228C>G (NM_017934.6); short protein forms P410A.
Identifiers: ClinVar variation 2377441 (VCV002377441.8), dbSNP rs767618585, ClinGen allele CA3900205.